The following is an entry in ClinVar:

NM_000094.4(COL7A1):c.5858_5872delinsGC (p.Ala1953fs)

Gene: COL7A1 (collagen type VII alpha 1 chain; minus strand). Cytogenetic location: 3p21.31.
Variant type: Indel.
Coding change: c.5858_5872delinsGC on transcript NM_000094.4 (MANE Select); coding-DNA positions 5858 to 5872, CATCTGCCCTGCGGG replaced by GC.
Protein change: p.Ala1953fs; shifts the reading frame from alanine 1953.
Molecular consequence: frameshift variant.
Genome position (GRCh38, 1-based): chr3:48,575,733-48,575,747, CCCGCAGGGCAGATG replaced by GC on the plus strand (CATCTGCCCTGCGGG replaced by GC on the coding strand, the reverse complement: COL7A1 is on the minus strand). VCF-style: chr3-48575733-CCCGCAGGGCAGATG-GC. GRCh37 (hg19) VCF-style: chr3-48613166-CCCGCAGGGCAGATG-GC.
Other names: short protein forms A1953fs.
Identifiers: ClinVar variation 5015306 (VCV005015306.1).

ClinVar aggregate classification (germline): Pathogenic (1 of 4 stars; one submission).

Conditions:
Recessive dystrophic epidermolysis bullosa (RDEB). Also called: DYSTROPHIC EPIDERMOLYSIS BULLOSA, AUTOSOMAL RECESSIVE; EPIDERMOLYSIS BULLOSA DYSTROPHICA, HALLOPEAU-SIEMENS TYPE; Hallopeau-Siemens Disease; severe generalized recessive dystrophic epidermolysis bullosa; EPIDERMOLYSIS BULLOSA DYSTROPHICA, GENERALIZED SEVERE, AUTOSOMAL RECESSIVE; Epidermolysis Bullosa Distrophica Autosomal Recessive (RDEB). Identifiers: Orphanet 79408, Orphanet 79409, MedGen C0079474, MONDO:0009179, OMIM 226600.

Submission:

Myriad Genetics, Inc.
Classification: Pathogenic for Recessive dystrophic epidermolysis bullosa. Last evaluated: 2025-12-11. Review status: criteria provided, single submitter. Criteria: Myriad Autosomal Dominant, Autosomal Recessive and X-Linked Classification Criteria (2023). Collection method: clinical testing. Allele origin: unknown.
Comment: NM_000094.3(COL7A1):c.5858_5872del15ins2(A1953Gfs*48) is expected to be pathogenic in the context of dystrophic epidermolysis bullosa. This variant is predicted to lead to an abnormal or absent protein product due to the creation of a premature termination codon in COL7A1, a gene where loss-of-function variants are known to be pathogenic. Please note: this variant was assessed in the context of healthy population screening.